The following is an entry in ClinVar:

ClinVar aggregate classification (germline): Uncertain significance (1 of 4 stars; one submission).

Conditions:
Cystic fibrosis (CF). Also called: MUCOVISCIDOSIS. Identifiers: Orphanet 586, MedGen C0010674, MONDO:0009061, OMIM 219700. Disease mechanism: loss of function.

Submission:

Labcorp Genetics (formerly Invitae), Labcorp
Classification: Uncertain significance for Cystic fibrosis. Last evaluated: 2019-04-19. Review status: criteria provided, single submitter. Criteria: Invitae Variant Classification Sherloc (09022015). Collection method: clinical testing. Allele origin: germline.
Comment: In summary, the available evidence is currently insufficient to determine the role of this variant in disease. Therefore, it has been classified as a Variant of Uncertain Significance. Algorithms developed to predict the effect of missense changes on protein structure and function are either unavailable or do not agree on the potential impact of this missense change (SIFT: "Tolerated"; PolyPhen-2: "Benign"; Align-GVGD: "Class C0"). This variant has been observed in an individual with bronchitis (PMID: 22326559). This variant is not present in population databases (ExAC no frequency). This sequence change replaces lysine with threonine at codon 1165 of the CFTR protein (p.Lys1165Thr). The lysine residue is moderately conserved and there is a moderate physicochemical difference between lysine and threonine.

Literature cited by the submitters: PubMed 22326559.

NM_000492.4(CFTR):c.3494A>C (p.Lys1165Thr)

Genes: CFTR (CF transmembrane conductance regulator; plus strand), CFTR-AS2 (CFTR antisense RNA 2; minus strand). Cytogenetic location: 7q31.2.
Variant type: single nucleotide variant.
Coding change: c.3494A>C on transcript NM_000492.4 (MANE Select); coding-DNA position 3494, A replaced by C.
Protein change: p.Lys1165Thr; replaces lysine 1165 with threonine.
Molecular consequence: missense variant.
Genome position (GRCh38, 1-based): chr7:117,627,547, A>C. VCF-style: chr7-117627547-A-C. GRCh37 (hg19) VCF-style: chr7-117267601-A-C.
Other names: short protein forms K1165T.
Identifiers: ClinVar variation 861403 (VCV000861403.9), dbSNP rs753508195, ClinGen allele CA368996057.